The following is an entry in ClinVar:

ClinVar aggregate classification (germline): Uncertain significance (1 of 4 stars; one submission).

Submission:

Labcorp Genetics (formerly Invitae), Labcorp
Classification: Uncertain significance. Last evaluated: 2020-03-30. Review status: criteria provided, single submitter. Criteria: Invitae Variant Classification Sherloc (09022015). Collection method: clinical testing. Allele origin: germline.
Comment: Algorithms developed to predict the effect of missense changes on protein structure and function output the following: SIFT: "Tolerated"; PolyPhen-2: "Benign"; Align-GVGD: "Class C0". The serine amino acid residue is found in multiple mammalian species, suggesting that this missense change does not adversely affect protein function. These predictions have not been confirmed by published functional studies and their clinical significance is uncertain. In summary, the available evidence is currently insufficient to determine the role of this variant in disease. Therefore, it has been classified as a Variant of Uncertain Significance. This variant is not present in population databases (ExAC no frequency). This variant has not been reported in the literature in individuals with TUBGCP6-related conditions. This sequence change replaces threonine with serine at codon 1702 of the TUBGCP6 protein (p.Thr1702Ser). The threonine residue is weakly conserved and there is a small physicochemical difference between threonine and serine.

NM_020461.4(TUBGCP6):c.5104A>T (p.Thr1702Ser)

Gene: TUBGCP6 (tubulin gamma complex component 6; minus strand). Cytogenetic location: 22q13.33.
Variant type: single nucleotide variant.
Coding change: c.5104A>T on transcript NM_020461.4 (MANE Select); coding-DNA position 5104, A replaced by T.
Protein change: p.Thr1702Ser; replaces threonine 1702 with serine.
Molecular consequence: missense variant.
Genome position (GRCh38, 1-based): chr22:50,218,253, T>A on the plus strand (A>T on the coding strand, the complement: TUBGCP6 is on the minus strand). VCF-style: chr22-50218253-T-A. GRCh37 (hg19) VCF-style: chr22-50656682-T-A.
Other names: short protein forms T1702S.
Identifiers: ClinVar variation 1041476 (VCV001041476.8), dbSNP rs777748338, ClinGen allele CA412164144.